The following is an entry in ClinVar:

ClinVar aggregate classification (germline): Uncertain significance. Review status: criteria provided, multiple submitters, no conflicts (2 of 4 stars). 2 submissions from 2 submitters: Uncertain significance (2). Last evaluated 2024-10-24.

Conditions:
Mitochondrial complex IV deficiency, nuclear type 11. Also called: Mitochondrial complex 4 deficiency, nuclear type 11. Identifiers: MedGen C5436694, MONDO:0033645, OMIM 619054.

Allele frequency attached by ClinVar (database versions not stated): 1000 Genomes Project 0.00060; TOPMed 0.00003; gnomAD 0.00007; gnomAD exomes 0.00011.
gnomAD v4.1: 133 of 1,273,422 alleles (0.01%); highest among the groups gnomAD compares: East Asian, 0.41%; 1 homozygote.

Submissions (2):

Labcorp Genetics (formerly Invitae), Labcorp
Classification: Uncertain significance. Last evaluated: 2024-10-24. Review status: criteria provided, single submitter. Criteria: Invitae Variant Classification Sherloc (09022015). Collection method: clinical testing. Allele origin: germline.
Comment: This sequence change replaces glutamic acid, which is acidic and polar, with lysine, which is basic and polar, at codon 11 of the COX20 protein (p.Glu11Lys). The frequency data for this variant in the population databases is considered unreliable, as metrics indicate poor data quality at this position in the gnomAD database. This variant has not been reported in the literature in individuals affected with COX20-related conditions. ClinVar contains an entry for this variant (Variation ID: 1895670). An algorithm developed to predict the effect of missense changes on protein structure and function outputs the following: PolyPhen-2: "Benign". The lysine amino acid residue is found in multiple mammalian species, which suggests that this missense change does not adversely affect protein function. In summary, the available evidence is currently insufficient to determine the role of this variant in disease. Therefore, it has been classified as a Variant of Uncertain Significance.

Fulgent Genetics
Classification: Uncertain significance for Mitochondrial complex IV deficiency, nuclear type 11. Last evaluated: 2024-01-09. Review status: criteria provided, single submitter. Criteria: ACMG Guidelines, 2015. Collection method: clinical testing. Allele origin: germline.

NM_198076.6(COX20):c.31G>A (p.Glu11Lys)

Genes: COX20 (cytochrome c oxidase assembly factor COX20; plus strand), LOC129932912 (ATAC-STARR-seq lymphoblastoid silent region 2019; plus strand). Cytogenetic location: 1q44.
Variant type: single nucleotide variant.
Coding change: c.31G>A on transcript NM_198076.6 (MANE Select); coding-DNA position 31, G replaced by A.
Protein change: p.Glu11Lys; replaces glutamic acid 11 with lysine.
Molecular consequence: missense variant. On other transcripts: non-coding transcript variant (1), intron variant (1).
Genome position (GRCh38, 1-based): chr1:244,835,745, G>A. VCF-style: chr1-244835745-G-A. GRCh37 (hg19) VCF-style: chr1-244999047-G-A.
Other names: c.31G>A, p.Glu11Lys (NM_001312871.1, NM_001312872.1, NM_001312874.1); c.22+9G>A (NM_001312873.1); short protein forms E11K.
Identifiers: ClinVar variation 1895670 (VCV001895670.4), dbSNP rs531568922, ClinGen allele CA41129604.